The following is an entry in ClinVar:

ClinVar aggregate classification (germline): Conflicting classifications of pathogenicity. Review status: criteria provided, conflicting classifications (1 of 4 stars). 11 submissions from 11 submitters: Likely pathogenic (6); Uncertain significance (5). Last evaluated 2026-05-26.

Conditions:
USH2A-related disorder. Also called: USH2A-related condition; USH2A-related disorders. Identifiers: MedGen CN239332.
Retinitis pigmentosa 39 (RP39). Identifiers: Orphanet 791, MedGen C3151138, MONDO:0013436, OMIM 613809.
Usher syndrome type 2A. Also called: RETINAL DISEASE IN USHER SYNDROME TYPE IIA, MODIFIER OF; USHER SYNDROME, TYPE IIA. Identifiers: Orphanet 231178, Orphanet 886, MedGen C1848634, MONDO:0010169, OMIM 276901.

Allele frequency attached by ClinVar (database versions not stated): TOPMed below 0.00001; gnomAD exomes 0.00001 and 0.00002; ExAC 0.00002.
gnomAD v4.1: 12 of 1,613,960 alleles (0.00074%); highest among the groups gnomAD compares: Middle Eastern, 0.017%; no homozygotes.

Submissions (11):

GeneDx
Classification: Likely pathogenic. Last evaluated: 2026-05-26. Review status: criteria provided, single submitter. Criteria: GeneDx Variant Classification Process June 2021. Collection method: clinical testing. Allele origin: germline.
Comment: Reported with a second variant (phase unknown) in a patient with retinitis pigmentosa in published literature (PMID: 32188678); Canonical splice site variant predicted to result in an in-frame loss of the adjacent exon in a gene for which loss of function is a known mechanism of disease; This variant is associated with the following publications: (PMID: 31964843, 31589614, 36110214, 39596236, 32188678, 37217689)

PreventionGenetics, part of Exact Sciences
Classification: Uncertain significance for USH2A-related condition. Last evaluated: 2026-05-26. Review status: criteria provided, single submitter. Criteria: ACMG Guidelines, 2015. Collection method: clinical testing. Allele origin: germline.
Comment: The USH2A c.15520-1G>A variant is predicted to disrupt the AG splice acceptor site and interfere with normal splicing. This variant has been reported in a patient with retinitis pigmentosa in conjunction with another potentially pathogenic variant, although phase was not reported (Supplementary Material, Gao et al. 2020. PubMed ID: 32188678). It has also been reported in an individual with suspected non-syndromic hearing loss; however, a second causative USH2A variant was not indicated (Table S3, Ramzan et al. 2023. PubMed ID: 37217689). This variant is reported in 0.0098% of alleles in individuals of South Asian descent in gnomAD and has conflicting classifications in ClinVar ranging from uncertain to likely pathogenic (Variation ID: 287641). Nonsense variants in USH2A are expected to be pathogenic; however, this variant occurs at the splice donor site of the last exon of this gene and no variants in this exon have been well documented as pathogenic in the literature. Although we suspect that this variant may be pathogenic, at this time, the clinical significance of this variant is uncertain due to the absence of conclusive functional and genetic evidence.

Natera, Inc.
Classification: Likely pathogenic for Usher syndrome type 2A. Last evaluated: 2026-01-22. Review status: criteria provided, single submitter. Criteria: Natera Variant Classification Schema (03/2026). Collection method: clinical testing. Allele origin: germline.
Comment: The c.15520-1G>A variant in USH2A is a canonical splice acceptor site variant predicted to affect pre-mRNA splicing, which may result in an abnormal transcript and altered protein product. This variant may result in a truncated or dysfunctional protein product. This variant is rare in the general population with a frequency below the threshold expected for the associated phenotype(s). This variant has been observed in one or more individuals affected with the associated recessive disease, as either homozygous or compound heterozygous with a second variant (PMID: 32188678, 39596236). Given the available evidence, this variant is classified as Likely Pathogenic.

First Genomix Gene Laboratory, Genetic Diagnostics Department
Classification: Likely pathogenic for Retinitis pigmentosa 39; Usher syndrome type 2A. Last evaluated: 2025-05-02. Review status: criteria provided, single submitter. Criteria: ACMG Guidelines, 2015. Collection method: clinical testing. Allele origin: germline. Inheritance: Autosomal recessive inheritance. Affected: no. Observed: 1 variant allele.

Labcorp Genetics (formerly Invitae), Labcorp
Classification: Uncertain significance. Last evaluated: 2024-05-01. Review status: criteria provided, single submitter. Criteria: Invitae Variant Classification Sherloc (09022015). Collection method: clinical testing. Allele origin: germline.
Comment: This sequence change affects an acceptor splice site in intron 71 of the USH2A gene. While this variant is not anticipated to result in nonsense mediated decay, it likely alters RNA splicing and results in a disrupted protein product. This variant is present in population databases (rs767265734, gnomAD 0.01%). Disruption of this splice site has been observed in individual(s) with retinitis pigmentosa (PMID: 32188678). ClinVar contains an entry for this variant (Variation ID: 287641). Variants that disrupt the consensus splice site are a relatively common cause of aberrant splicing (PMID: 17576681, 9536098). Algorithms developed to predict the effect of sequence changes on RNA splicing suggest that this variant may disrupt the consensus splice site. In summary, the available evidence is currently insufficient to determine the role of this variant in disease. Therefore, it has been classified as a Variant of Uncertain Significance.

Genomic Medicine Center of Excellence, King Faisal Specialist Hospital and Research Centre
Classification: Uncertain significance for Usher syndrome type 2A. Last evaluated: 2024-03-29. Review status: criteria provided, single submitter. Criteria: ACMG Guidelines, 2015. Collection method: clinical testing. Allele origin: germline.

Baylor Genetics
Classification: Likely pathogenic for Retinitis pigmentosa 39. Last evaluated: 2024-02-16. Review status: criteria provided, single submitter. Criteria: ACMG Guidelines, 2015. Collection method: clinical testing. Allele origin: unknown.

CeGaT Center for Human Genetics Tuebingen
Classification: Uncertain significance. Last evaluated: 2023-11-01. Review status: criteria provided, single submitter. Criteria: CeGaT Center For Human Genetics Tuebingen Variant Classification Criteria Version 2. Collection method: clinical testing. Allele origin: germline. Affected: yes. Observed: 1 variant allele.

ARUP Laboratories, Molecular Genetics and Genomics, ARUP Laboratories
Classification: Uncertain significance. Last evaluated: 2018-09-27. Review status: criteria provided, single submitter. Criteria: ARUP Molecular Germline Variant Investigation Process. Collection method: clinical testing. Allele origin: germline.
Comment: The USH2A c.15520-1G>A variant (rs767265734), to our knowledge, is not reported in the medical literature or gene-specific databases. The variant is reported in the ClinVar database (Variation ID: 287641) and in the general population with an overall allele frequency of 0.002% (6/246016 alleles) in the Genome Aggregation Database. This is an intronic variant in a conserved acceptor site and computational algorithms predict this variant abolishes the acceptor site (Alamut v.2.11). However, this is the acceptor site in the terminal exon and the effect of such a splicing variant is uncertain. At least two variants that introduce premature termination codons in the terminal exon are present in ClinVar as uncertain (see link below). Considering available information, the clinical significance of this variant is uncertain. Pathogenic USH2A variants are causative for autosomal recessive retinitis pigmentosa (MIM: 613809) and Usher syndrome (MIM: 276901). References: Link to USH2a in ClinVar

Eurofins Ntd Llc (ga)
Classification: Likely pathogenic. Last evaluated: 2016-05-10. Review status: criteria provided, single submitter. Criteria: EGL Classification Definitions 2015. Collection method: clinical testing. Allele origin: germline. Observed: 1 variant allele, 1 heterozygote.

Kariminejad - Najmabadi Pathology & Genetics Center
Classification: Likely pathogenic for Usher syndrome type 2A. Review status: criteria provided, single submitter. Criteria: ACMG Guidelines, 2015. Collection method: clinical testing. Allele origin: germline. Affected: no.

Literature cited by the submitters: PubMed 32188678 (cited by Natera, Inc. and Labcorp Genetics (formerly Invitae), Labcorp); PubMed 39596236 (cited by Natera, Inc.); PubMed 17576681 (cited by Labcorp Genetics (formerly Invitae), Labcorp); PubMed 9536098 (cited by Labcorp Genetics (formerly Invitae), Labcorp).

NM_206933.4(USH2A):c.15520-1G>A

Gene: USH2A (usherin; minus strand). Cytogenetic location: 1q41.
Variant type: single nucleotide variant.
Coding change: c.15520-1G>A on transcript NM_206933.4 (MANE Select); the canonical splice acceptor site of the intron before coding-DNA position 15520, G replaced by A.
Molecular consequence: splice acceptor variant.
Genome position (GRCh38, 1-based): chr1:215,625,871, C>T on the plus strand (G>A on the coding strand, the complement: USH2A is on the minus strand). VCF-style: chr1-215625871-C-T. GRCh37 (hg19) VCF-style: chr1-215799213-C-T.
Other names: c.15520-1G>A (NM_206933.2).
Identifiers: ClinVar variation 287641 (VCV000287641.64), dbSNP rs767265734, ClinGen allele CA1392633.
Genomic context (GRCh38, chr1:215,625,871, plus strand): 5'-TTCCTTAGTCACTGAGCTGAAATCCTTGATGGCGTTCATCAGGTCCTCTTCATCCACATA[C>T]TGAAAAATAAGCCAATCATCATTGGCTACATACTTGCTATCAATAGTATTTGCTATCAAT-3'